The following is an entry in ClinVar:

NM_001372.4(DNAH9):c.310dup (p.Leu104fs)

Gene: DNAH9 (dynein axonemal heavy chain 9; plus strand). Cytogenetic location: 17p12.
Variant type: Duplication.
Coding change: c.310dup on transcript NM_001372.4 (MANE Select); coding-DNA position 310, one base duplicated (C; older notation c.310dupC).
Protein change: p.Leu104fs; shifts the reading frame from leucine 104.
Molecular consequence: frameshift variant.
Genome position (GRCh38, 1-based): chr17:11,598,808, C duplicated; the last of 2 consecutive C bases (chr17:11,598,807-11,598,808); duplicating either gives the same sequence. VCF-style (leftmost placement, unchanged base first): chr17-11598806-T-TC. GRCh37 (hg19) VCF-style: chr17-11502123-T-TC.
Other names: short protein forms L104fs.
Identifiers: ClinVar variation 1458739 (VCV001458739.6), dbSNP rs2072318097, ClinGen allele CA2247794169.

ClinVar aggregate classification (germline): Pathogenic (1 of 4 stars; one submission).

Submission:

Labcorp Genetics (formerly Invitae), Labcorp
Classification: Pathogenic. Last evaluated: 2025-02-09. Review status: criteria provided, single submitter. Criteria: Invitae Variant Classification Sherloc (09022015). Collection method: clinical testing. Allele origin: germline.
Comment: This sequence change creates a premature translational stop signal (p.Leu104Profs*45) in the DNAH9 gene. It is expected to result in an absent or disrupted protein product. Loss-of-function variants in DNAH9 are known to be pathogenic (PMID: 30471718). This variant is not present in population databases (gnomAD no frequency). This variant has not been reported in the literature in individuals affected with DNAH9-related conditions. ClinVar contains an entry for this variant (Variation ID: 1458739). For these reasons, this variant has been classified as Pathogenic.

Literature cited by the submitters: PubMed 30471718.